The following is an entry in ClinVar:

NM_025137.4(SPG11):c.278G>T (p.Arg93Leu)

Gene: SPG11 (SPG11 vesicle trafficking associated, spatacsin; minus strand). Cytogenetic location: 15q21.1.
Variant type: single nucleotide variant.
Coding change: c.278G>T on transcript NM_025137.4 (MANE Select); coding-DNA position 278, G replaced by T.
Protein change: p.Arg93Leu; replaces arginine 93 with leucine.
Molecular consequence: missense variant.
Genome position (GRCh38, 1-based): chr15:44,660,596, C>A on the plus strand (G>T on the coding strand, the complement: SPG11 is on the minus strand). VCF-style: chr15-44660596-C-A. GRCh37 (hg19) VCF-style: chr15-44952794-C-A.
Other names: c.278G>T, p.Arg93Leu (NM_001160227.2, NM_001411132.1); short protein forms R93L.
Identifiers: ClinVar variation 2069015 (VCV002069015.4), dbSNP rs149254262, ClinGen allele CA392238422.

ClinVar aggregate classification (germline): Uncertain significance (1 of 4 stars; one submission).

Conditions:
Hereditary spastic paraplegia 11. Also called: Spastic Paraplegia 11; SPASTIC PARAPLEGIA, AUTOSOMAL RECESSIVE, COMPLICATED, WITH THIN CORPUS CALLOSUM; SPASTIC PARAPLEGIA, AUTOSOMAL RECESSIVE, WITH MENTAL IMPAIRMENT AND THIN CORPUS CALLOSUM; Spastic paraplegia, mental retardation and thin corpus callosum; Nakamura Osame syndrome; Autosomal recessive hereditary spastic paraplegia, mental impairment, and thin corpus callosum. Identifiers: Orphanet 2822, MedGen C1858479, MONDO:0011445, OMIM 604360.

Submission:

Labcorp Genetics (formerly Invitae), Labcorp
Classification: Uncertain significance for Hereditary spastic paraplegia 11. Last evaluated: 2022-07-11. Review status: criteria provided, single submitter. Criteria: Invitae Variant Classification Sherloc (09022015). Collection method: clinical testing. Allele origin: germline.
Comment: In summary, the available evidence is currently insufficient to determine the role of this variant in disease. Therefore, it has been classified as a Variant of Uncertain Significance. Algorithms developed to predict the effect of missense changes on protein structure and function (SIFT, PolyPhen-2, Align-GVGD) all suggest that this variant is likely to be tolerated. This variant has not been reported in the literature in individuals affected with SPG11-related conditions. This variant is not present in population databases (gnomAD no frequency). This sequence change replaces arginine, which is basic and polar, with leucine, which is neutral and non-polar, at codon 93 of the SPG11 protein (p.Arg93Leu).